The following is an entry in ClinVar:

NM_002769.5(PRSS1):c.303_305delinsCCG (p.Arg101_Lys102delinsSerArg)

Genes: TRB (T cell receptor beta locus; plus strand), PRSS1 (serine protease 1; plus strand). Cytogenetic location: 7q34.
Variant type: Indel.
Coding change: c.303_305delinsCCG on transcript NM_002769.5 (MANE Select); coding-DNA positions 303 to 305, GAA replaced by CCG.
Protein change: p.Arg101_Lys102delinsSerArg.
Molecular consequence: missense variant. On other transcripts: non-coding transcript variant (4).
Genome position (GRCh38, 1-based): chr7:142,751,876-142,751,878, GAA replaced by CCG. VCF-style: chr7-142751876-GAA-CCG. GRCh37 (hg19) VCF-style: chr7-142459727-GAA-CCG.
Identifiers: ClinVar variation 1799030 (VCV001799030.2), dbSNP rs2485753473, ClinGen allele CA2580077665.
Genomic context (GRCh38, chr7:142,751,876, plus strand): 5'-GGAGGGGAATGAGCAGTTCATCAATGCAGCCAAGATCATCCGCCACCCCCAATACGACAG[GAA>CCG]GACTCTGAACAATGACATCATGTTAATCAAGCTCTCCTCACGTGCAGTAATCAACGCCCG-3'

ClinVar aggregate classification (germline): Uncertain significance (1 of 4 stars; one submission).

Conditions:
Hereditary pancreatitis (PCTT). Also called: Hereditary chronic pancreatitis; PRSS1-Related Hereditary Pancreatitis. Identifiers: Orphanet 676, MedGen C0238339, MONDO:0008185, OMIM 167800.

Submission:

Ambry Genetics
Classification: Uncertain significance for Hereditary pancreatitis. Last evaluated: 2022-07-29. Review status: criteria provided, single submitter. Criteria: Ambry Variant Classification Scheme 2023. Collection method: clinical testing. Allele origin: germline.
Comment: The c.303_305delGAAinsCCG variant (also known as p.R101_K102delinsSR), located in coding exon 3 of the PRSS1 gene, results from an in-frame deletion of GAA and insertion of CCG at nucleotide positions 303 to 305. This results in the substitution of arginine and lysine residues for a serine and arginine residue at codon 101 and 102. This amino acid region is poorly conserved in available vertebrate species. Since supporting evidence is limited at this time, the clinical significance of this alteration remains unclear.